The following is an entry in ClinVar:

ClinVar aggregate classification (germline): Pathogenic (1 of 4 stars; one submission).

Conditions:
Cornelia de Lange syndrome 1 (CDLS1). Also called: Brachmann de Lange syndrome; NIPBL-Related Cornelia de Lange Syndrome; TYPUS DEGENERATIVUS AMSTELODAMENSIS. Identifiers: Orphanet 199, MedGen C4551851, MONDO:0007387, OMIM 122470.

Submission:

Labcorp Genetics (formerly Invitae), Labcorp
Classification: Pathogenic for Cornelia de Lange syndrome 1. Last evaluated: 2018-09-13. Review status: criteria provided, single submitter. Criteria: Invitae Variant Classification Sherloc (09022015). Collection method: clinical testing. Allele origin: germline.
Comment: This sequence change creates a premature translational stop signal (p.Ile1300Leufs*19) in the NIPBL gene. It is expected to result in an absent or disrupted protein product. This variant is not present in population databases (ExAC no frequency). This variant has not been reported in the literature in individuals with NIPBL-related disease. Loss-of-function variants in NIPBL are known to be pathogenic (PMID: 15318302, 19763162, 23505322, 29995837). For these reasons, this variant has been classified as Pathogenic.

NM_133433.4(NIPBL):c.3895del (p.Ile1300fs)

Gene: NIPBL (NIPBL cohesin loading factor; plus strand). Cytogenetic location: 5p13.2.
Variant type: Deletion.
Coding change: c.3895del on transcript NM_133433.4 (MANE Select); coding-DNA position 3895, one base deleted (C; older notation c.3895delC).
Protein change: p.Ile1300fs; shifts the reading frame from isoleucine 1300.
Molecular consequence: frameshift variant.
Genome position (GRCh38, 1-based): chr5:37,006,396, C deleted; the last of 2 consecutive C bases (chr5:37,006,395-37,006,396); deleting either gives the same sequence. VCF-style (leftmost placement, unchanged base first): chr5-37006394-AC-A. GRCh37 (hg19) VCF-style: chr5-37006496-AC-A.
Other names: c.3895del, p.Ile1300fs (NM_015384.5); short protein forms I1300fs.
Identifiers: ClinVar variation 651452 (VCV000651452.1), dbSNP rs1580451470, ClinGen allele CA915943330.